The following is an entry in ClinVar:

ClinVar aggregate classification (germline): Uncertain significance. Review status: criteria provided, multiple submitters, no conflicts (2 of 4 stars). 2 submissions from 2 submitters: Uncertain significance (2). Last evaluated 2025-08-26.

Submissions (2):

Ambry Genetics
Classification: Uncertain significance. Last evaluated: 2025-08-26. Review status: criteria provided, single submitter. Criteria: Ambry Variant Classification Scheme 2023. Collection method: clinical testing. Allele origin: germline.

Labcorp Genetics (formerly Invitae), Labcorp
Classification: Uncertain significance. Last evaluated: 2023-03-30. Review status: criteria provided, single submitter. Criteria: Invitae Variant Classification Sherloc (09022015). Collection method: clinical testing. Allele origin: germline.
Comment: This sequence change replaces aspartic acid, which is acidic and polar, with glutamic acid, which is acidic and polar, at codon 1463 of the KIAA0556 protein (p.Asp1463Glu). This variant is not present in population databases (gnomAD no frequency). This variant has not been reported in the literature in individuals affected with KIAA0556-related conditions. An algorithm developed to predict the effect of missense changes on protein structure and function (PolyPhen-2) suggests that this variant is likely to be disruptive. In summary, the available evidence is currently insufficient to determine the role of this variant in disease. Therefore, it has been classified as a Variant of Uncertain Significance.

NM_015202.5(KATNIP):c.4389C>G (p.Asp1463Glu)

Gene: KATNIP (katanin interacting protein; plus strand). Cytogenetic location: 16p12.1.
Variant type: single nucleotide variant.
Coding change: c.4389C>G on transcript NM_015202.5 (MANE Select); coding-DNA position 4389, C replaced by G.
Protein change: p.Asp1463Glu; replaces aspartic acid 1463 with glutamic acid.
Molecular consequence: missense variant.
Genome position (GRCh38, 1-based): chr16:27,775,024, C>G. VCF-style: chr16-27775024-C-G. GRCh37 (hg19) VCF-style: chr16-27786345-C-G.
Other names: c.4389C>G (NM_015202.2); short protein forms D1463E.
Identifiers: ClinVar variation 2851068 (VCV002851068.4), dbSNP rs2543419872, ClinGen allele CA395331317.